The following is an entry in ClinVar:

NM_001845.6(COL4A1):c.2539_2547del (p.Ala847_Gly849del)

Gene: COL4A1 (collagen type IV alpha 1 chain; minus strand). Cytogenetic location: 13q34.
Variant type: Deletion.
Coding change: c.2539_2547del on transcript NM_001845.6 (MANE Select); coding-DNA positions 2539 to 2547, 9 bases deleted (GCTCAAGGA; older notation c.2539_2547delGCTCAAGGA).
Protein change: p.Ala847_Gly849del.
Genome position (GRCh38, 1-based): chr13:110,178,143-110,178,151, TCCTTGAGC deleted on the plus strand (GCTCAAGGA on the coding strand, the reverse complement: COL4A1 is on the minus strand). VCF-style (leftmost placement, unchanged base first): chr13-110178142-GTCCTTGAGC-G. GRCh37 (hg19) VCF-style: chr13-110830489-GTCCTTGAGC-G.
Identifiers: ClinVar variation 3657202 (VCV003657202.2).

ClinVar aggregate classification (germline): Likely pathogenic (1 of 4 stars; one submission).

Submission:

Labcorp Genetics (formerly Invitae), Labcorp
Classification: Likely pathogenic. Last evaluated: 2024-09-27. Review status: criteria provided, single submitter. Criteria: Invitae Variant Classification Sherloc (09022015). Collection method: clinical testing. Allele origin: germline.
Comment: This variant, c.2539_2547del, results in the deletion of 3 amino acid(s) of the COL4A1 protein (p.Ala847_Gly849del), but otherwise preserves the integrity of the reading frame. This variant is not present in population databases (gnomAD no frequency). This variant has not been reported in the literature in individuals affected with COL4A1-related conditions. This variant disrupts the triple helix domain of COL4A1. Glycine residues within the Gly-Xaa-Yaa repeats of the triple helix domain are required for the structure and stability of fibrillar collagens (PMID: 7695699, 8218237, 19344236). In COL4A1 variants affecting these glycine residues are significantly enriched in individuals with disease (PMID: 9016532, 17078022) compared to the general population (ExAC). In summary, the currently available evidence indicates that the variant is pathogenic, but additional data are needed to prove that conclusively. Therefore, this variant has been classified as Likely Pathogenic.

Literature cited by the submitters: PubMed 7695699; PubMed 8218237; PubMed 19344236; PubMed 9016532; PubMed 17078022.